The following is an entry in ClinVar:

ClinVar aggregate classification (germline): Pathogenic (1 of 4 stars; one submission).

Conditions:
Neurofibromatosis, type 2 (SWNV). Also called: BILATERAL ACOUSTIC NEUROFIBROMATOSIS; SCHWANNOMATOSIS, VESTIBULAR; NF2-Related Schwannomatosis. Identifiers: Orphanet 637, MedGen C0027832, MONDO:0007039, OMIM 101000. Disease mechanism: loss of function.

Submission:

Labcorp Genetics (formerly Invitae), Labcorp
Classification: Pathogenic for Neurofibromatosis, type 2. Last evaluated: 2018-11-13. Review status: criteria provided, single submitter. Criteria: Invitae Variant Classification Sherloc (09022015). Collection method: clinical testing. Allele origin: germline.
Comment: For these reasons, this variant has been classified as Pathogenic. Loss-of-function variants in NF2 are known to be pathogenic (PMID: 9643284, 16983642). This variant has been observed in an individual with clinical features of neurofibromatosis type 2 (PMID:¬†18033041). This variant is an out-of-frame deletion of the genomic region encompassing exon 12 of the NF2 gene. This is expected to create a premature translational stop signal and result in an absent or disrupted protein product.

Literature cited by the submitters: PubMed 9643284; PubMed 16983642.

NC_000022.11:g.(?_29673259)_(29673496_?)del

Gene: NF2 (NF2, moesin-ezrin-radixin like (MERLIN) tumor suppressor; plus strand). Cytogenetic location: 22q12.2.
Variant type: Deletion.
Identifiers: ClinVar variation 652949 (VCV000652949.11).